The following is an entry in ClinVar:

NM_001374623.1(PNPLA1):c.178G>A (p.Ala60Thr)

Gene: PNPLA1 (patatin like domain 1, omega-hydroxyceramide transacylase; plus strand). Cytogenetic location: 6p21.31.
Variant type: single nucleotide variant.
Coding change: c.178G>A on transcript NM_001374623.1 (MANE Select); coding-DNA position 178, G replaced by A.
Protein change: p.Ala60Thr; replaces alanine 60 with threonine.
Molecular consequence: missense variant. On other transcripts: intron variant (2).
Genome position (GRCh38, 1-based): chr6:36,270,637, G>A. VCF-style: chr6-36270637-G-A. GRCh37 (hg19) VCF-style: chr6-36238414-G-A.
Other names: c.178G>A, p.Ala60Thr (NM_001145717.1); c.-80-20683G>A (NM_001145716.2, NM_173676.2); short protein forms A60T.
Identifiers: ClinVar variation 1705673 (VCV001705673.2), dbSNP rs1029691431, ClinGen allele CA137362943.

ClinVar aggregate classification (germline): Conflicting classifications of pathogenicity. Review status: criteria provided, conflicting classifications (1 of 4 stars). 2 submissions from 2 submitters: Likely pathogenic (1); Uncertain significance (1). Last evaluated 2025-01-21.

Conditions:
Inborn genetic diseases. Identifiers: MedGen C0950123, MeSH D030342.
Autosomal recessive congenital ichthyosis 10 (ARCI10). Identifiers: Orphanet 79394, MedGen C3554355, MONDO:0014011, OMIM 615024.

Allele frequency attached by ClinVar (database versions not stated): gnomAD 0.00001; TOPMed 0.00002.
gnomAD v4.1: 23 of 1,551,122 alleles (0.0015%); highest among the groups gnomAD compares: Middle Eastern, 0.017%; no homozygotes.

Submissions (2):

Ambry Genetics
Classification: Uncertain significance for Inborn genetic diseases. Last evaluated: 2025-01-21. Review status: criteria provided, single submitter. Criteria: Ambry Variant Classification Scheme 2023. Collection method: clinical testing. Allele origin: germline.

3billion
Classification: Likely pathogenic for Autosomal recessive congenital ichthyosis 10. Last evaluated: 2022-09-01. Review status: criteria provided, single submitter. Criteria: ACMG Guidelines, 2015. Collection method: clinical testing. Allele origin: germline. Affected: yes. Observed: 1 heterozygote.
Comment: The variant is observed at an extremely low frequency in the gnomAD v2.1.1 dataset (total allele frequency: 0.003%). It is located in a mutational hot spot and/or well-established functional domain in which established pathogenic variants have been reported. Missense changes are a common disease-causing mechanism. In silico tool predictions suggest damaging effect of the variant on gene or gene product (REVEL: 0.61; 3Cnet: NA). Therefore, this variant is classified as Likely pathogenic according to the recommendation of ACMG/AMP guideline.